The following is an entry in ClinVar:

NM_152419.3(HGSNAT):c.1456G>A (p.Gly486Arg)

Gene: HGSNAT (heparan-alpha-glucosaminide N-acetyltransferase; plus strand). Cytogenetic location: 8p11.21.
Variant type: single nucleotide variant.
Coding change: c.1456G>A on transcript NM_152419.3 (MANE Select); coding-DNA position 1456, G replaced by A.
Protein change: p.Gly486Arg; replaces glycine 486 with arginine.
Molecular consequence: missense variant.
Genome position (GRCh38, 1-based): chr8:43,193,835, G>A. VCF-style: chr8-43193835-G-A. GRCh37 (hg19) VCF-style: chr8-43048978-G-A.
Other names: c.1456G>A, p.Gly486Arg (NM_001363227.2); c.1264G>A, p.Gly422Arg (NM_001363228.2); c.592G>A, p.Gly198Arg (NM_001363229.2); short protein forms G422R, G486R, G198R.
Identifiers: ClinVar variation 1398922 (VCV001398922.3), dbSNP rs773361163, ClinGen allele CA4736882.
Genomic context (GRCh38, chr8:43,193,835, plus strand): 5'-GTGGCCTATGACCCCGAGGGCATCCTGGGCACCATCAACTCCATCGTGATGGCCTTTTTA[G>A]GAGTTCAGGTATTTGTTCATTTCATTAGGTTACTTTTTCTGACAATTTATGATATTTTAT-3'
Protein context (NP_689632.2, residues 476-496): TINSIVMAFL[Gly486Arg]VQAGKILLYY

ClinVar aggregate classification (germline): Uncertain significance (1 of 4 stars; one submission).

Conditions:
Retinitis pigmentosa 73 (RP73). Identifiers: Orphanet 791, MedGen C4225287, MONDO:0014687, OMIM 616544.
Mucopolysaccharidosis, MPS-III-C (MPS3C). Also called: MPS IIIC (Sanfilippo Syndrome Type C); MUCOPOLYSACCHARIDOSIS, TYPE IIIC; Mucopolysaccharidosis type IIIC (Sanfilippo C); SANFILIPPO SYNDROME C; MPS III C; mucopolysaccharidosis type 3C. Identifiers: Orphanet 581, Orphanet 79271, MedGen C0086649, MONDO:0009657, OMIM 252930.

Allele frequency attached by ClinVar (database versions not stated): TOPMed 0.00002; gnomAD 0.00002; gnomAD exomes below 0.00001; ExAC 0.00001.
gnomAD v4.1: 5 of 1,613,380 alleles (0.00031%); highest among the groups gnomAD compares: African/African-American, 0.0067%; no homozygotes.

Submission:

Labcorp Genetics (formerly Invitae), Labcorp
Classification: Uncertain significance for Retinitis pigmentosa 73; Mucopolysaccharidosis, MPS-III-C. Last evaluated: 2022-03-29. Review status: criteria provided, single submitter. Criteria: Invitae Variant Classification Sherloc (09022015). Collection method: clinical testing. Allele origin: germline.
Comment: This sequence change replaces glycine, which is neutral and non-polar, with arginine, which is basic and polar, at codon 486 of the HGSNAT protein (p.Gly486Arg). This variant is present in population databases (rs773361163, gnomAD 0.007%). This variant has not been reported in the literature in individuals affected with HGSNAT-related conditions. Advanced modeling of protein sequence and biophysical properties (such as structural, functional, and spatial information, amino acid conservation, physicochemical variation, residue mobility, and thermodynamic stability) performed at Invitae indicates that this missense variant is expected to disrupt HGSNAT protein function. Algorithms developed to predict the effect of sequence changes on RNA splicing suggest that this variant may create or strengthen a splice site. In summary, the available evidence is currently insufficient to determine the role of this variant in disease. Therefore, it has been classified as a Variant of Uncertain Significance.